The following is an entry in ClinVar:

NM_194318.4(B3GLCT):c.1134C>T (p.Tyr378=)

Gene: B3GLCT (beta 3-glucosyltransferase; plus strand). Cytogenetic location: 13q12.3.
Variant type: single nucleotide variant.
Coding change: c.1134C>T on transcript NM_194318.4 (MANE Select); coding-DNA position 1134, C replaced by T.
Protein change: p.Tyr378=; no amino-acid change (tyrosine 378 retained).
Molecular consequence: synonymous variant.
Genome position (GRCh38, 1-based): chr13:31,317,635, C>T. VCF-style: chr13-31317635-C-T. GRCh37 (hg19) VCF-style: chr13-31891772-C-T.
Identifiers: ClinVar variation 281154 (VCV000281154.44), dbSNP rs34854594, ClinGen allele CA6936823.

ClinVar aggregate classification (germline): Benign/Likely benign. Review status: criteria provided, multiple submitters, no conflicts (2 of 4 stars). 5 submissions from 5 submitters: Benign (3); Likely benign (1). 1 of the submissions does not count toward it. Last evaluated 2026-01-15.

Conditions:
B3GLCT-related disorder. Also called: B3GLCT-related condition.
Peters plus syndrome. Also called: KRAUSE-KIVLIN SYNDROME. Identifiers: Orphanet 709, MedGen C0796012, MONDO:0009856, OMIM 261540.

Allele frequency attached by ClinVar (database versions not stated): gnomAD exomes 0.00036; 1000 Genomes Project 0.00200; 1000 Genomes Project 30x 0.00203; ESP Exome Variant Server 0.00323; TOPMed 0.00417; gnomAD 0.00449.
gnomAD v4.1: 1,122 of 1,614,032 alleles (0.07%); highest among the groups gnomAD compares: African/African-American, 1.3%; 7 homozygotes.

Submissions (5):

Labcorp Genetics (formerly Invitae), Labcorp
Classification: Benign for Peters plus syndrome. Last evaluated: 2026-01-15. Review status: criteria provided, single submitter. Criteria: Invitae Variant Classification Sherloc (09022015). Collection method: clinical testing. Allele origin: germline.

CeGaT Center for Human Genetics Tuebingen
Classification: Likely benign. Last evaluated: 2022-04-01. Review status: criteria provided, single submitter. Criteria: CeGaT Center For Human Genetics Tuebingen Variant Classification Criteria Version 2. Collection method: clinical testing. Allele origin: germline. Affected: yes. Observed: 1 variant allele.
Comment: B3GLCT: BP4, BP7, BS1

Eurofins Ntd Llc (ga)
Classification: Benign. Last evaluated: 2015-07-06. Review status: criteria provided, single submitter. Criteria: EGL Classification Definitions 2015. Collection method: clinical testing. Allele origin: germline. Observed: 1 variant allele, 1 heterozygote.

Breakthrough Genomics
Classification: Benign. Review status: criteria provided, single submitter. Criteria: ACMG Guidelines, 2015. Collection method: not provided. Allele origin: germline. Inheritance: Autosomal recessive inheritance. Affected: yes.

PreventionGenetics, part of Exact Sciences
Classification: Benign for B3GLCT-related condition. Last evaluated: 2019-05-15. Review status: no assertion criteria provided. Collection method: clinical testing. Allele origin: germline. Not counted in ClinVar's aggregate classification.
Comment: This variant is classified as benign based on ACMG/AMP sequence variant interpretation guidelines (Richards et al. 2015 PMID: 25741868, with internal and published modifications).